The following continues an entry in ClinVar:

NM_000152.5(GAA):c.-32-13T>G

Gene: GAA. ClinVar aggregate classification (germline): Pathogenic. Pathogenic (1).

Submissions 4 to 13 of 77:

PreventionGenetics, part of Exact Sciences
Classification: Pathogenic for GAA-related condition. Last evaluated: 2026-06-16. Review status: criteria provided, single submitter. Criteria: ACMG Guidelines, 2015. Collection method: clinical testing. Allele origin: germline. Not counted in ClinVar's aggregate classification.
Comment: The GAA c.-32-13T>G variant is located in the 5' untranslated region. This variant, also referred to as c.-45T>G or IVS1-13T>G in the literature, has been clearly documented as causative for glycogen storage disease type II when present in trans with another pathogenic GAA variant. The c.-32-13T>G variant is the most common pathogenic variant found in adults with glycogen storage disease type II/late-onset Pompe disease (GSD II/ LOPD) (Huie et al. 1994. PubMed ID: 7881425; Hermans et al. 2004. PubMed ID: 14695532). In the homozygous state, individuals are often asymptomatic; however, some present with classical symptoms of adult-onset disease (Bergsma et al. 2019. PubMed ID: 30922962; Musumeci et al. 2015. PubMed ID: 26231297). This variant leads to aberrant splicing of exon 2, which contains the start codon (Dardis et al. 2014. PubMed ID: 24150945). In summary, this variant is interpreted as pathogenic.

CeGaT Center for Human Genetics Tuebingen
Classification: Pathogenic. Last evaluated: 2026-06-01. Review status: criteria provided, single submitter. Criteria: CeGaT Center For Human Genetics Tuebingen Variant Classification Criteria Version 2. Collection method: clinical testing. Allele origin: germline. Affected: yes. Observed: 46 variant alleles. Not counted in ClinVar's aggregate classification.
Comment: GAA: PM3:Very Strong, PVS1:Strong, PM2:Supporting

Genetics Laboratory, Great Ormond Street Hospital NHS Foundation Trust, North Thames Genomic Laboratory Hub
Classification: Pathogenic for Fetal anomalies with a likely genetic cause. Last evaluated: 2026-03-03. Review status: criteria provided, single submitter. Criteria: ACGS Best Practice Guidelines for Variant Classification in Rare Disease 2024 v1.2. Collection method: clinical testing. Allele origin: germline. Affected: yes. Not counted in ClinVar's aggregate classification.

Victorian Clinical Genetics Services, Murdoch Childrens Research Institute
Classification: Pathogenic for Glycogen storage disease, type II. Last evaluated: 2026-02-11. Review status: criteria provided, single submitter. Criteria: ACMG Guidelines, 2015. Collection method: clinical testing. Allele origin: germline. Not counted in ClinVar's aggregate classification.
Comment: This variant is classified as Pathogenic. Evidence in support of pathogenic classification: Non-coding variant with known effect. Experimental studies using patient fibroblasts demonstrated abberant splicing which yields two splicing outcomes, one in which intron 1 is fully spliced out and the other in which 36 nucleotide of intron 1 is retained (PMID: 24150945); Variant is present in gnomAD (v2) <0.01 for a recessive condition (v4: 8189 heterozygotes, 24 homozygotes); This variant has strong previous evidence of pathogenicity in unrelated individuals. This variant has been classified as pathogenic by the ClinGen Lysosomal Storage Disorder Variant Curation Expert Panel. It is one of the most common pathogenic variants associated with adult-onset Pompe disease, however it has also been reported with early and infantile onset (ClinVar). It has primarily been reported in compound heterozygous individuals, as well as rare occurrences of homozygous individuals where incomplete penetrance or environmental factors are speculated to explain the low incidence rate (ClinVar, PMID: 26231297, 17210890). Additional information: This variant is heterozygous; This gene is associated with autosomal recessive disease; Loss of function is a known mechanism of disease in this gene and is associated with glycogen storage disease II (MIM#232300); Parental origin of the variant is unresolved.

Labcorp Genetics (formerly Invitae), Labcorp
Classification: Pathogenic for Glycogen storage disease, type II. Last evaluated: 2026-02-03. Review status: criteria provided, single submitter. Criteria: Invitae Variant Classification Sherloc (09022015). Collection method: clinical testing. Allele origin: germline. Not counted in ClinVar's aggregate classification.
Comment: This sequence change falls in intron 1 of the GAA gene. It does not directly change the encoded amino acid sequence of the GAA protein. RNA analysis indicates that this variant induces altered splicing and is likely to result in the loss of the initiator methionine. This variant is present in population databases (rs386834236, gnomAD 0.6%), including at least one homozygous and/or hemizygous individual. This variant is a well documented cause of late-onset Pompe disease among individuals of European ancestry, and it has also been reported in affected individuals of other ethnicities (PMID: 7881425, 24590251, 21439876, 22613277, 26231297, 24245577). It has also been observed to segregate with disease in related individuals. ClinVar contains an entry for this variant (Variation ID: 4027). Experimental studies have shown that this variant interferes with mRNA splicing of exon 1 of the GAA gene. The effect is such that it allows for some normally spliced transcript to be produced, which is thought to contribute to its role in late-onset as opposed to early-onset Pompe disease (PMID: 7881425, 2510307). For these reasons, this variant has been classified as Pathogenic.

3billion
Classification: Pathogenic for Glycogen storage disease, type II. Last evaluated: 2025-12-12. Review status: criteria provided, single submitter. Criteria: ACMG Guidelines, 2015. Collection method: clinical testing. Allele origin: germline. Affected: yes. Not counted in ClinVar's aggregate classification.
Comment: The variant is observed in the gnomAD v4.1.0 dataset (total allele frequency: 0.525%). Predicted Consequence/Location: Intron variant Functional studies provide strong evidence of the variant having a damaging effect on the gene or gene product (PMID: 7717400). In silico tools do not predict the variant to alter splicing and produce an abnormal transcript [SpliceAI: 0.06 (<=0.1, moderate evidence for non-spliceogenicity)]. The variant has been reported to be in trans with a pathogenic variant as either compound heterozygous or homozygous in at least 4 similarly affected unrelated individuals (PMID: 22613277, 24245577, 24590251, 26231297). The variant has been reported multiple times as an established pathogenic variant (ClinVar ID: VCV000004027 /PMID: 7881425 /3billion dataset). Therefore, this variant is classified as Pathogenic according to the recommendation of ACMG/AMP guideline.

Genetics Laboratory, Great Ormond Street Hospital NHS Foundation Trust, North Thames Genomic Laboratory Hub
Classification: Pathogenic for Glycogen storage disease. Last evaluated: 2025-11-26. Review status: criteria provided, single submitter. Criteria: ACGS Best Practice Guidelines for Variant Classification in Rare Disease 2024 v1.2. Collection method: clinical testing. Allele origin: germline. Affected: yes. Not counted in ClinVar's aggregate classification.
Comment: PS4_moderate, PVS1_strong, PM3_very-strong, PP4_strong

Natera, Inc.
Classification: Pathogenic for Glycogen storage disease type II. Last evaluated: 2025-10-27. Review status: criteria provided, single submitter. Criteria: Natera Variant Classification Schema (03/2026). Collection method: clinical testing. Allele origin: germline. Not counted in ClinVar's aggregate classification.
Comment: The c.-32-13T>G variant in GAA is a 5' untranslated region (UTR) variant located upstream of the translation start codon. This variant has been observed in one or more individuals affected with the associated recessive disease, as either homozygous or compound heterozygous with a second variant (PMID: 26231297, 29880332). Given the available evidence, this variant is classified as Pathogenic.

GeneDx
Classification: Pathogenic. Last evaluated: 2025-10-04. Review status: criteria provided, single submitter. Criteria: GeneDx Variant Classification Process June 2021. Collection method: clinical testing. Allele origin: germline. Affected: yes. Not counted in ClinVar's aggregate classification.
Comment: Common pathogenic variant reported in 36-90% of individuals with late-onset GSDII (PMID: 7881425, 24150945); Functional studies demonstrate that the c.-32-13 T>G variant results in aberrant gene splicing (PMID: 24150945); This variant is associated with the following publications: (PMID: 24844452, 34530085, 34405919, 33807278, 34501319, 33073019, 24590251, 24158270, 22613277, 21439876, 22595200, 25103075, 16917947, 25846667, 26800218, 22975760, 26231297, 27170567, 27460347, 28032299, 27708273, 21109266, 21228398, 26350092, 25673129, 7881425, 29326002, 16531044, 29181627, 28951071, 15986226, 28694071, 21967859, 30827497, 30564623, 30314719, 23417379, 31676142, 32071926, 31980526, 31086307, 30275481, 34440436, 34426522, 28629821, 8990003, 32721234, 32528171, 29556838, 36310651, 37701327, 37342670, 35948506, 32860008, 34020684, 33726816, 33673364, 33188503, 36046397, 35302691, 35741838, 34864681, 35047849, 34852371, 24150945, 39678382, 34714385, 38127101, 37653444, 32419263, 38087756, 39033325, 38186848, 34906502)

Revvity Omics, Revvity
Classification: Pathogenic. Last evaluated: 2025-06-24. Review status: criteria provided, single submitter. Criteria: ACMG Guidelines, 2015. Collection method: clinical testing. Allele origin: germline. Not counted in ClinVar's aggregate classification.